The following is an entry in ClinVar:

ClinVar aggregate classification (germline): Uncertain significance (1 of 4 stars; one submission).

Conditions:
Primary dilated cardiomyopathy (DCM). Also called: Dilated Cardiomyopathy. Identifiers: Orphanet 217604, MedGen C0007193, MeSH D002311, MONDO:0005021, HP:0001644. Inheritance: Various modes of inheritance.

Allele frequency attached by ClinVar (database versions not stated): gnomAD 0.00002 and 0.00003; gnomAD exomes 0.00002 and 0.00005; TOPMed 0.00003; ExAC 0.00004.
gnomAD v4.1: 35 of 1,602,306 alleles (0.0022%); highest among the groups gnomAD compares: Middle Eastern, 0.017%; no homozygotes.

Submission:

Labcorp Genetics (formerly Invitae), Labcorp
Classification: Uncertain significance for Primary dilated cardiomyopathy. Last evaluated: 2025-02-27. Review status: criteria provided, single submitter. Criteria: Invitae Variant Classification Sherloc (09022015). Collection method: clinical testing. Allele origin: germline.
Comment: This sequence change replaces arginine, which is basic and polar, with cysteine, which is neutral and slightly polar, at codon 845 of the NEBL protein (p.Arg845Cys). This variant is present in population databases (rs776914197, gnomAD 0.02%). This variant has not been reported in the literature in individuals affected with NEBL-related conditions. ClinVar contains an entry for this variant (Variation ID: 524923). An algorithm developed to predict the effect of missense changes on protein structure and function (PolyPhen-2) suggests that this variant is likely to be disruptive. In summary, the available evidence is currently insufficient to determine the role of this variant in disease. Therefore, it has been classified as a Variant of Uncertain Significance.

NM_006393.3(NEBL):c.2533C>T (p.Arg845Cys)

Gene: NEBL (nebulette; minus strand). Cytogenetic location: 10p12.31.
Variant type: single nucleotide variant.
Coding change: c.2533C>T on transcript NM_006393.3 (MANE Select); coding-DNA position 2533, C replaced by T.
Protein change: p.Arg845Cys; replaces arginine 845 with cysteine.
Molecular consequence: missense variant. On other transcripts: intron variant (8).
Genome position (GRCh38, 1-based): chr10:20,809,884, G>A on the plus strand (C>T on the coding strand, the complement: NEBL is on the minus strand). VCF-style: chr10-20809884-G-A. GRCh37 (hg19) VCF-style: chr10-21098813-G-A.
Other names: c.544C>T, p.Arg182Cys (NM_001377322.1); c.421+2885C>T (NM_001377326.1, NM_001377327.1, NM_001377328.1); c.529+2885C>T (NM_213569.2, NM_001173484.2); c.472+2885C>T (NM_001377324.1); c.463+2885C>T (NM_001377325.1); c.481+2885C>T (NM_001377323.1); short protein forms R845C, R182C.
Identifiers: ClinVar variation 524923 (VCV000524923.9), dbSNP rs776914197, ClinGen allele CA5432421.